The following is an entry in ClinVar:

NM_177402.5(SYT2):c.561GAA[2] (p.Lys190del)

Gene: SYT2 (synaptotagmin 2; minus strand). Cytogenetic location: 1q32.1.
Variant type: Microsatellite.
Coding change: c.561GAA[2] on transcript NM_177402.5 (MANE Select); two copies in a row of the 3-base unit GAA starting at c.561; the reference has three copies in a row; one copy, 3 bases deleted.
Protein change: p.Lys190del; deletes lysine 190.
Molecular consequence: inframe deletion.
Genome position (GRCh38, 1-based): chr1:202,602,442-202,602,444, TTC deleted on the plus strand (GAA on the coding strand, the reverse complement: SYT2 is on the minus strand); deleting any 3 consecutive bases within chr1:202,602,442-202,602,452 gives the same sequence; the position shown is the placement nearest the transcript's 3' end. VCF-style (leftmost placement, unchanged base first): chr1-202602441-TTTC-T. GRCh37 (hg19) VCF-style: chr1-202571569-TTTC-T.
Other names: c.561GAA[2], p.Lys190del (NM_001136504.1); short protein forms K190del.
Identifiers: ClinVar variation 1394924 (VCV001394924.7), dbSNP rs1690540128, ClinGen allele CA2481405269.

ClinVar aggregate classification (germline): Uncertain significance. Review status: criteria provided, multiple submitters, no conflicts (2 of 4 stars). 2 submissions from 2 submitters: Uncertain significance (2). Last evaluated 2022-01-17.

Submissions (2):

Blueprint Genetics
Classification: Uncertain significance. Last evaluated: 2022-01-17. Review status: criteria provided, single submitter. Criteria: ACMG Guidelines, 2015. Collection method: clinical testing. Allele origin: germline.

Labcorp Genetics (formerly Invitae), Labcorp
Classification: Uncertain significance. Last evaluated: 2021-11-24. Review status: criteria provided, single submitter. Criteria: Invitae Variant Classification Sherloc (09022015). Collection method: clinical testing. Allele origin: germline.
Comment: This variant has not been reported in the literature in individuals affected with SYT2-related conditions. This variant, c.567_569del, results in the deletion of 1 amino acid(s) of the SYT2 protein (p.Lys190del), but otherwise preserves the integrity of the reading frame. This variant is not present in population databases (gnomAD no frequency). Experimental studies and prediction algorithms are not available or were not evaluated, and the functional significance of this variant is currently unknown. In summary, the available evidence is currently insufficient to determine the role of this variant in disease. Therefore, it has been classified as a Variant of Uncertain Significance.